The following is an entry in ClinVar:

ClinVar aggregate classification (germline): Pathogenic (1 of 4 stars; one submission).

Conditions:
Hereditary cancer-predisposing syndrome. Also called: Neoplastic Syndromes, Hereditary; Tumor predisposition; Hereditary Cancer Syndrome; Hereditary neoplastic syndrome. Identifiers: Orphanet 140162, MedGen C0027672, MeSH D009386, MONDO:0015356.

Submission:

Ambry Genetics
Classification: Pathogenic for Hereditary cancer-predisposing syndrome. Last evaluated: 2026-01-08. Review status: criteria provided, single submitter. Criteria: Ambry Variant Classification Scheme 2023. Collection method: clinical testing. Allele origin: germline.
Comment: The c.903_909+1delATATAAGG pathogenic mutation, located in coding exon 5 of the MSH3 gene, results from a deletion of 8 nucleotides at nucleotide positions 903 to 909+1, causing a translational frameshift with a predicted alternate stop codon (p.Y302Gfs*7). This variant is considered to be rare based on population cohorts in the Genome Aggregation Database (gnomAD). This alteration is expected to result in loss of function by premature protein truncation or nonsense-mediated mRNA decay. As such, this alteration is interpreted as a disease-causing mutation.

NM_002439.5(MSH3):c.903_909+1del

Gene: MSH3 (mutS homolog 3; plus strand). Cytogenetic location: 5q14.1.
Variant type: Deletion.
Coding change: c.903_909+1del on transcript NM_002439.5 (MANE Select); coding-DNA position 903 through the canonical splice donor site of the intron after coding-DNA position 909, 8 bases deleted (ATATAAGG; older notation c.903_909+1delATATAAGG).
Molecular consequence: splice donor variant.
Genome position (GRCh38, 1-based): chr5:80,672,354-80,672,361, ATATAAGG deleted; deleting any 8 consecutive bases within chr5:80,672,350-80,672,361 gives the same sequence; the c. name uses the placement nearest the transcript's 3' end. VCF-style (leftmost placement, unchanged base first): chr5-80672349-AAAGGATAT-A. GRCh37 (hg19) VCF-style: chr5-79968168-AAAGGATAT-A.
Identifiers: ClinVar variation 4842840 (VCV004842840.1).